The following is an entry in ClinVar:

NM_138694.4(PKHD1):c.11309A>G (p.Gln3770Arg)

Gene: PKHD1 (PKHD1 ciliary IPT domain containing fibrocystin/polyductin; minus strand). Cytogenetic location: 6p12.3.
Variant type: single nucleotide variant.
Coding change: c.11309A>G on transcript NM_138694.4 (MANE Select); coding-DNA position 11309, A replaced by G.
Protein change: p.Gln3770Arg; replaces glutamine 3770 with arginine.
Molecular consequence: missense variant.
Genome position (GRCh38, 1-based): chr6:51,649,086, T>C on the plus strand (A>G on the coding strand, the complement: PKHD1 is on the minus strand). VCF-style: chr6-51649086-T-C. GRCh37 (hg19) VCF-style: chr6-51513884-T-C.
Other names: short protein forms Q3770R.
Identifiers: ClinVar variation 997292 (VCV000997292.1), dbSNP rs1770520773, ClinGen allele CA364425659.

ClinVar aggregate classification (germline): Uncertain significance (0 of 4 stars; one submission).

Conditions:
Polycystic kidney disease. Also called: Polycystic kidney dysplasia; Kidney, Polycystic. Identifiers: MedGen C0022680, MeSH D007690, MONDO:0020642, HP:0000113.

Allele frequency attached by ClinVar (database versions not stated): gnomAD exomes below 0.00001.
gnomAD v4.1: 2 of 1,613,588 alleles (0.00012%); highest among the groups gnomAD compares: Non-Finnish European, 0.00017%; no homozygotes.

Submission:

Department of Pathology and Laboratory Medicine, Sinai Health System
Classification: Uncertain significance for Polycystic Kidney disease. Review status: no assertion criteria provided. Collection method: clinical testing. Allele origin: unknown. Affected: yes. Study: The Canadian Open Genetics Repository (COGR).
Comment: The PKHD1 p.Gln3770Arg variant was not identified in the literature nor was it identified in the dbSNP, ClinVar, GeneInsight-COGR, LOVD 3.0, databases. The variant was only identified in RWTH AAachen University ARPKD database. The variant was not identified in the 1000 Genomes Project, the NHLBI GO Exome Sequencing Project or the Exome Aggregation Consortium (August 8th 2016) control databases. The p.Gln3770 residue is not conserved in mammals and four out of five computational analyses (PolyPhen-2, SIFT, AlignGVGD, BLOSUM, MutationTaster) do not suggest a high likelihood of impact to the protein; however, this information is not predictive enough to rule out pathogenicity. The p.Gln3770Arg variant occurs in the second last base of the exon. This position has been shown to be part of the splicing consensus sequence and variants involving this position sometimes affect splicing. In addition, 3 of 5 in silico or computational prediction software programs (SpliceSiteFinder, MaxEntScan, NNSPLICE, GeneSplicer, HumanSpliceFinder) predict a greater than 10% difference in splicing. The identification of this homozygous variant in an individual with apparent ARPKD increases the likelihood it may have clinical significance. In summary, based on the above information, the clinical significance of this variant cannot be determined with certainty at this time. This variant is classified as uncertain significance.